The following is an entry in ClinVar:

NM_005751.5(AKAP9):c.3083G>A (p.Ser1028Asn)

Gene: AKAP9 (A-kinase anchoring protein 9; plus strand). Cytogenetic location: 7q21.2.
Variant type: single nucleotide variant.
Coding change: c.3083G>A on transcript NM_005751.5 (MANE Select); coding-DNA position 3083, G replaced by A.
Protein change: p.Ser1028Asn; replaces serine 1028 with asparagine.
Molecular consequence: missense variant.
Genome position (GRCh38, 1-based): chr7:92,003,000, G>A. VCF-style: chr7-92003000-G-A. GRCh37 (hg19) VCF-style: chr7-91632314-G-A.
Other names: c.3083G>A, p.Ser1028Asn (NM_147185.3); short protein forms S1028N.
Identifiers: ClinVar variation 519347 (VCV000519347.17), dbSNP rs551552300, ClinGen allele CA4336238.
Genomic context (GRCh38, chr7:92,003,000, plus strand): 5'-ATGTACAGTCATGTGATACTCAAGTAAGCTCTTTATTAGATGGAGTTGTGACCATGACAA[G>A]CAGGGGTGCTGAAGGATCAGTTTCTAAAGTAAATAAAAGTTTTGGTGAAGAATCAAAAAT-3'
Protein context (NP_005742.4, residues 1018-1038): SLLDGVVTMT[Ser1028Asn]RGAEGSVSKV

ClinVar aggregate classification (germline): Uncertain significance. Review status: criteria provided, multiple submitters, no conflicts (2 of 4 stars). 3 submissions from 3 submitters: Uncertain significance (3). Last evaluated 2025-10-17.

Conditions:
Long QT syndrome (LQTS). Identifiers: MedGen C0023976, MeSH D008133, MONDO:0002442. Disease mechanism: loss of function. Inheritance: Various modes of inheritance.
Cardiovascular phenotype. Identifiers: MedGen CN230736.
Long QT syndrome 11 (LQT11). Identifiers: Orphanet 101016, Orphanet 768, MedGen C2678483, MONDO:0012738, OMIM 611820.

Allele frequency attached by ClinVar (database versions not stated): ExAC 0.00002; gnomAD exomes 0.00002 and 0.00013; gnomAD 0.00003; TOPMed 0.00004; 1000 Genomes Project 30x 0.00016; 1000 Genomes Project 0.00020.

Submissions (3):

Labcorp Genetics (formerly Invitae), Labcorp
Classification: Uncertain significance for Long QT syndrome. Last evaluated: 2025-10-17. Review status: criteria provided, single submitter. Criteria: Invitae Variant Classification Sherloc (09022015). Collection method: clinical testing. Allele origin: germline.
Comment: This sequence change replaces serine, which is neutral and polar, with asparagine, which is neutral and polar, at codon 1028 of the AKAP9 protein (p.Ser1028Asn). This variant is present in population databases (rs551552300, gnomAD 0.004%). This variant has not been reported in the literature in individuals affected with AKAP9-related conditions. ClinVar contains an entry for this variant (Variation ID: 519347). An algorithm developed to predict the effect of missense changes on protein structure and function (PolyPhen-2) suggests that this variant is likely to be tolerated. In summary, the available evidence is currently insufficient to determine the role of this variant in disease. Therefore, it has been classified as a Variant of Uncertain Significance.

Ambry Genetics
Classification: Uncertain significance for Cardiovascular phenotype. Last evaluated: 2024-10-07. Review status: criteria provided, single submitter. Criteria: Ambry Variant Classification Scheme 2023. Collection method: clinical testing. Allele origin: germline.
Comment: The p.S1028N variant (also known as c.3083G>A), located in coding exon 8 of the AKAP9 gene, results from a G to A substitution at nucleotide position 3083. The serine at codon 1028 is replaced by asparagine, an amino acid with highly similar properties. This amino acid position is not well conserved in available vertebrate species. In addition, this alteration is predicted to be tolerated by in silico analysis. The evidence for this gene-disease relationship is limited; therefore, the clinical significance of this alteration is unclear.

Fulgent Genetics
Classification: Uncertain significance for Long QT syndrome 11. Last evaluated: 2021-09-15. Review status: criteria provided, single submitter. Criteria: ACMG Guidelines, 2015. Collection method: clinical testing. Allele origin: unknown.